The following is an entry in ClinVar:

ClinVar aggregate classification (germline): Uncertain significance (1 of 4 stars; one submission).

Conditions:
Hereditary cancer-predisposing syndrome. Also called: Hereditary Cancer Syndrome; Hereditary neoplastic syndrome; Neoplastic Syndromes, Hereditary; Tumor predisposition. Identifiers: Orphanet 140162, MedGen C0027672, MeSH D009386, MONDO:0015356.

Submission:

Ambry Genetics
Classification: Uncertain significance for Hereditary cancer-predisposing syndrome. Last evaluated: 2021-03-11. Review status: criteria provided, single submitter. Criteria: Ambry Variant Classification Scheme 2023. Collection method: clinical testing. Allele origin: germline.
Comment: The p.K1391E variant (also known as c.4171A>G), located in coding exon 21 of the DICER1 gene, results from an A to G substitution at nucleotide position 4171. The lysine at codon 1391 is replaced by glutamic acid, an amino acid with similar properties. This amino acid position is well conserved in available vertebrate species. In addition, the in silico prediction for this alteration is inconclusive. Since supporting evidence is limited at this time, the clinical significance of this alteration remains unclear.

NM_177438.3(DICER1):c.4171A>G (p.Lys1391Glu)

Gene: DICER1 (dicer 1, ribonuclease III; minus strand). Cytogenetic location: 14q32.13.
Variant type: single nucleotide variant.
Coding change: c.4171A>G on transcript NM_177438.3 (MANE Select); coding-DNA position 4171, A replaced by G.
Protein change: p.Lys1391Glu; replaces lysine 1391 with glutamic acid.
Molecular consequence: missense variant. On other transcripts: non-coding transcript variant (6).
Genome position (GRCh38, 1-based): chr14:95,099,815, T>C on the plus strand (A>G on the coding strand, the complement: DICER1 is on the minus strand). VCF-style: chr14-95099815-T-C. GRCh37 (hg19) VCF-style: chr14-95566152-T-C.
Other names: c.4171A>G, p.Lys1391Glu (NM_001195573.1, NM_001271282.3, NM_001291628.2 and 13 more transcripts); c.3889A>G, p.Lys1297Glu (NM_001395686.1); c.3766A>G, p.Lys1256Glu (NM_001395687.1, NM_001395688.1, NM_001395689.1 and 2 more transcripts); c.3604A>G, p.Lys1202Glu (NM_001395691.1); c.2488A>G, p.Lys830Glu (NM_001395697.1); short protein forms K1297E, K1391E, K830E, K1256E, K1202E.
Identifiers: ClinVar variation 1738422 (VCV001738422.2), dbSNP rs2542598981, ClinGen allele CA390871842.